The following is an entry in ClinVar:

NM_002335.4(LRP5):c.1680G>T (p.Trp560Cys)

Gene: LRP5 (LDL receptor related protein 5; plus strand). Cytogenetic location: 11q13.2.
Variant type: single nucleotide variant.
Coding change: c.1680G>T on transcript NM_002335.4 (MANE Select); coding-DNA position 1680, G replaced by T.
Protein change: p.Trp560Cys; replaces tryptophan 560 with cysteine.
Molecular consequence: missense variant. On other transcripts: 5 prime UTR variant (1).
Genome position (GRCh38, 1-based): chr11:68,403,578, G>T. VCF-style: chr11-68403578-G-T. GRCh37 (hg19) VCF-style: chr11-68171046-G-T.
Other names: c.-258G>T (NM_001291902.2); short protein forms W560C.
Identifiers: ClinVar variation 183254 (VCV000183254.13), dbSNP rs377144001, ClinGen allele CA210919.

ClinVar aggregate classification (germline): Uncertain significance. Review status: criteria provided, multiple submitters, no conflicts (2 of 4 stars). 4 submissions from 4 submitters: Uncertain significance (3). 1 of the submissions does not count toward it. Last evaluated 2025-07-02.

Conditions:
Bone mineral density quantitative trait locus 1 (BMND1). Identifiers: MedGen C1866079, OMIM 601884.
Worth disease. Also called: ENDOSTEAL HYPEROSTOSIS, AUTOSOMAL DOMINANT; OSTEOSCLEROSIS, AUTOSOMAL DOMINANT; Autosomal dominant osteosclerosis, Worth type. Identifiers: Orphanet 2790, MedGen C0432273, MONDO:0007764, OMIM 144750.
Exudative vitreoretinopathy 4 (EVR4). Identifiers: Orphanet 891, MedGen C1866176, MONDO:0011151, OMIM 601813.
Autosomal dominant osteopetrosis 1 (OPTA1). Also called: OSTEOPETROSIS, AUTOSOMAL DOMINANT, TYPE I. Identifiers: Orphanet 2783, MedGen C1843330, MONDO:0011877, OMIM 607634.
Osteoporosis with pseudoglioma (OPPG). Also called: osteoporosis-pseudoglioma syndrome. Identifiers: Orphanet 2788, MedGen C0432252, MONDO:0009820, OMIM 259770.
Polycystic liver disease 4 with or without kidney cysts. Identifiers: MedGen C4693479, MONDO:0044327, OMIM 617875.
Retinal dystrophy. Also called: Inherited retinal dystrophy. Identifiers: Orphanet 71862, MedGen C0854723, MeSH D058499, MONDO:0019118, HP:0000556.
Polycystic kidney disease, adult type (PKD1). Also called: Polycystic Kidney Disease 1, Autosomal Dominant; Polycystic kidney disease 1; Polycystic kidney disease 1, severe; Polycystic Kidney, Autosomal Dominant; POLYCYSTIC KIDNEY DISEASE, ADULT, TYPE I; POLYCYSTIC KIDNEY DISEASE 1 WITH OR WITHOUT POLYCYSTIC LIVER DISEASE. Identifiers: MedGen C3149841, MONDO:0008263, OMIM 173900.

Allele frequency attached by ClinVar (database versions not stated): gnomAD exomes 0.00001 and 0.00004; TOPMed 0.00001; ExAC 0.00005; ESP Exome Variant Server 0.00008.
gnomAD v4.1: 21 of 1,614,196 alleles (0.0013%); highest among the groups gnomAD compares: Middle Eastern, 0.033%; no homozygotes.

Submissions (4):

Labcorp Genetics (formerly Invitae), Labcorp
Classification: Uncertain significance. Last evaluated: 2025-07-02. Review status: criteria provided, single submitter. Criteria: Invitae Variant Classification Sherloc (09022015). Collection method: clinical testing. Allele origin: germline.
Comment: This sequence change replaces tryptophan, which is neutral and slightly polar, with cysteine, which is neutral and slightly polar, at codon 560 of the LRP5 protein (p.Trp560Cys). This variant is present in population databases (rs377144001, gnomAD 0.006%). This missense change has been observed in individual(s) with clinical features of early-onset osteoporosis (PMID: 30283887). ClinVar contains an entry for this variant (Variation ID: 183254). Invitae Evidence Modeling of protein sequence and biophysical properties (such as structural, functional, and spatial information, amino acid conservation, physicochemical variation, residue mobility, and thermodynamic stability) indicates that this missense variant is expected to disrupt LRP5 protein function with a positive predictive value of 95%. Experimental studies have shown that this missense change affects LRP5 function (PMID: 25920554, 30283887). In summary, the available evidence is currently insufficient to determine the role of this variant in disease. Therefore, it has been classified as a Variant of Uncertain Significance.

Fulgent Genetics
Classification: Uncertain significance for Worth disease; Osteoporosis with pseudoglioma; Exudative vitreoretinopathy 4; Bone mineral density quantitative trait locus 1; Autosomal dominant osteopetrosis 1; Polycystic liver disease 4 with or without kidney cysts. Last evaluated: 2024-06-20. Review status: criteria provided, single submitter. Criteria: ACMG Guidelines, 2015. Collection method: clinical testing. Allele origin: germline.

Institute of Human Genetics, Univ. Regensburg, Univ. Regensburg
Classification: Uncertain significance for Retinal dystrophy. Last evaluated: 2023-01-01. Review status: criteria provided, single submitter. Criteria: ACMG Guidelines, 2015. Collection method: clinical testing. Allele origin: germline. Affected: yes.

Laboratory of Gastroenterology and Hepatology, Radboud University Medical Center
No classification provided. Condition: Polycystic kidney disease, adult type. Review status: no classification provided. Collection method: not provided. Allele origin: germline. Not counted in ClinVar's aggregate classification.

Literature cited by the submitters: PubMed 30283887 (cited by Labcorp Genetics (formerly Invitae), Labcorp and Institute of Human Genetics, Univ. Regensburg, Univ. Regensburg); PubMed 25920554 (cited by Labcorp Genetics (formerly Invitae), Labcorp and Institute of Human Genetics, Univ. Regensburg, Univ. Regensburg).